The following is an entry in ClinVar:

NM_001369369.1(FOXN1):c.296A>G (p.Tyr99Cys)

Gene: FOXN1 (forkhead box N1; plus strand). Cytogenetic location: 17q11.2.
Variant type: single nucleotide variant.
Coding change: c.296A>G on transcript NM_001369369.1 (MANE Select); coding-DNA position 296, A replaced by G.
Protein change: p.Tyr99Cys; replaces tyrosine 99 with cysteine.
Molecular consequence: missense variant.
Genome position (GRCh38, 1-based): chr17:28,524,675, A>G. VCF-style: chr17-28524675-A-G. GRCh37 (hg19) VCF-style: chr17-26851693-A-G.
Other names: c.296A>G, p.Tyr99Cys (NM_003593.3); short protein forms Y99C.
Identifiers: ClinVar variation 1000703 (VCV001000703.4), dbSNP rs745766812, ClinGen allele CA8459194.

ClinVar aggregate classification (germline): Uncertain significance. Review status: criteria provided, multiple submitters, no conflicts (2 of 4 stars). 2 submissions from 2 submitters: Uncertain significance (2). Last evaluated 2025-09-19.

Conditions:
T-cell immunodeficiency, congenital alopecia, and nail dystrophy. Also called: Congenital alopecia and nail dystrophy associated with severe functional T-cell immunodeficiency; Pignata Guarino syndrome. Identifiers: Orphanet 169095, MedGen C1866426, MONDO:0011132, OMIM 601705.

Allele frequency attached by ClinVar (database versions not stated): gnomAD exomes below 0.00001 and 0.00002; ExAC 0.00001; gnomAD 0.00001 and 0.00002; TOPMed 0.00002.
gnomAD v4.1: 9 of 1,613,382 alleles (0.00056%); highest among the groups gnomAD compares: African/African-American, 0.0027%; no homozygotes.

Submissions (2):

Labcorp Genetics (formerly Invitae), Labcorp
Classification: Uncertain significance for T-cell immunodeficiency, congenital alopecia, and nail dystrophy. Last evaluated: 2025-09-19. Review status: criteria provided, single submitter. Criteria: Invitae Variant Classification Sherloc (09022015). Collection method: clinical testing. Allele origin: germline.
Comment: This sequence change replaces tyrosine, which is neutral and polar, with cysteine, which is neutral and slightly polar, at codon 99 of the FOXN1 protein (p.Tyr99Cys). This variant is present in population databases (rs745766812, gnomAD 0.007%). This variant has not been reported in the literature in individuals affected with FOXN1-related conditions. ClinVar contains an entry for this variant (Variation ID: 1000703). Invitae Evidence Modeling of protein sequence and biophysical properties (such as structural, functional, and spatial information, amino acid conservation, physicochemical variation, residue mobility, and thermodynamic stability) indicates that this missense variant is not expected to disrupt FOXN1 protein function with a negative predictive value of 80%. In summary, the available evidence is currently insufficient to determine the role of this variant in disease. Therefore, it has been classified as a Variant of Uncertain Significance.

Blueprint Genetics
Classification: Uncertain significance. Last evaluated: 2022-06-25. Review status: criteria provided, single submitter. Criteria: ACMG Guidelines, 2015. Collection method: clinical testing. Allele origin: germline.